The following is an entry in ClinVar:

NM_004839.4(HOMER2):c.506T>C (p.Val169Ala)

Gene: HOMER2 (homer scaffold protein 2; minus strand). Cytogenetic location: 15q25.2.
Variant type: single nucleotide variant.
Coding change: c.506T>C on transcript NM_004839.4 (MANE Select); coding-DNA position 506, T replaced by C.
Protein change: p.Val169Ala; replaces valine 169 with alanine.
Molecular consequence: missense variant.
Genome position (GRCh38, 1-based): chr15:82,854,789, A>G on the plus strand (T>C on the coding strand, the complement: HOMER2 is on the minus strand). VCF-style: chr15-82854789-A-G. GRCh37 (hg19) VCF-style: chr15-83523541-A-G.
Other names: c.539T>C, p.Val180Ala (NM_199330.3); short protein forms V169A, V180A.
Identifiers: ClinVar variation 3350387 (VCV003350387.1).

ClinVar aggregate classification (germline): Uncertain significance (0 of 4 stars; one submission).

Conditions:
HOMER2-related disorder. Also called: HOMER2-related condition.

gnomAD v4.1: 5 of 1,609,112 alleles (0.00031%); highest among the groups gnomAD compares: South Asian, 0.0044%; no homozygotes.

Submission:

PreventionGenetics, part of Exact Sciences
Classification: Uncertain significance for HOMER2-related condition. Last evaluated: 2024-07-08. Review status: no assertion criteria provided. Collection method: clinical testing. Allele origin: germline.
Comment: The HOMER2 c.506T>C variant is predicted to result in the amino acid substitution p.Val169Ala. This variant was reported in the heterozygous state in an individual with hearing loss (Table S2, Ma et al. 2023. PubMed ID: 36597107). This variant is reported in 0.0033% of alleles in individuals of South Asian descent in gnomAD. At this time, the clinical significance of this variant is uncertain due to the absence of conclusive functional and genetic evidence.